The following is an entry in ClinVar:

ClinVar aggregate classification (germline): Benign. Review status: criteria provided, multiple submitters, no conflicts (2 of 4 stars). 2 submissions from 2 submitters: Benign (2). Last evaluated 2018-06-14.

Allele frequency attached by ClinVar (database versions not stated): gnomAD 0.38533 and 0.38680; TOPMed 0.40115; 1000 Genomes Project 0.46305; 1000 Genomes Project 30x 0.47305.
gnomAD v4.1: 42,745 of 111,676 alleles (38%); highest among the groups gnomAD compares: African/African-American, 78%; 8,453 homozygotes.

Submissions (2):

GeneDx
Classification: Benign. Last evaluated: 2018-06-14. Review status: criteria provided, single submitter. Criteria: GeneDx Variant Classification (06012015). Collection method: clinical testing. Allele origin: germline. Affected: yes.
Comment: This variant is considered likely benign or benign based on one or more of the following criteria: it is a conservative change, it occurs at a poorly conserved position in the protein, it is predicted to be benign by multiple in silico algorithms, and/or has population frequency not consistent with disease.

Breakthrough Genomics
Classification: Benign. Review status: criteria provided, single submitter. Criteria: ACMG Guidelines, 2015. Collection method: not provided. Allele origin: germline. Inheritance: X-linked inheritance. Affected: yes.

NM_001110556.2(FLNA):c.2281-341A>C

Gene: FLNA (filamin A; minus strand). Cytogenetic location: Xq28.
Variant type: single nucleotide variant.
Coding change: c.2281-341A>C on transcript NM_001110556.2 (MANE Select); 341 bases into the intron before coding-DNA position 2281, A replaced by C.
Molecular consequence: intron variant.
Genome position (GRCh38, 1-based): chrX:154,363,125, T>G on the plus strand (A>C on the coding strand, the complement: FLNA is on the minus strand). VCF-style: chrX-154363125-T-G. GRCh37 (hg19) VCF-style: chrX-153591493-T-G.
Other names: c.2281-341A>C (NM_001456.4).
Identifiers: ClinVar variation 680587 (VCV000680587.2), dbSNP rs5945186, ClinGen allele CA15053520.